The following is an entry in ClinVar:

ClinVar aggregate classification (germline): Likely benign. Review status: criteria provided, multiple submitters, no conflicts (2 of 4 stars). 4 submissions from 4 submitters: Likely benign (3). 1 of the submissions does not count toward it. Last evaluated 2026-01-17.

Conditions:
DCHS1-related disorder. Also called: DCHS1-related condition.

Allele frequency attached by ClinVar (database versions not stated): gnomAD exomes 0.00014; 1000 Genomes Project 0.00060; 1000 Genomes Project 30x 0.00062; gnomAD 0.00125; TOPMed 0.00167.

Submissions (4):

Labcorp Genetics (formerly Invitae), Labcorp
Classification: Likely benign. Last evaluated: 2026-01-17. Review status: criteria provided, single submitter. Criteria: Invitae Variant Classification Sherloc (09022015). Collection method: clinical testing. Allele origin: germline.

Blueprint Genetics
Classification: Likely benign. Last evaluated: 2024-11-26. Review status: criteria provided, single submitter. Criteria: ACMG Guidelines, 2015. Collection method: clinical testing. Allele origin: germline.

GeneDx
Classification: Likely benign. Last evaluated: 2020-02-17. Review status: criteria provided, single submitter. Criteria: GeneDx Variant Classification Process June 2021. Collection method: clinical testing. Allele origin: germline. Affected: yes.

PreventionGenetics, part of Exact Sciences
Classification: Likely benign for DCHS1-related condition. Last evaluated: 2024-01-05. Review status: no assertion criteria provided. Collection method: clinical testing. Allele origin: germline. Not counted in ClinVar's aggregate classification.
Comment: This variant is classified as likely benign based on ACMG/AMP sequence variant interpretation guidelines (Richards et al. 2015 PMID: 25741868, with internal and published modifications).

NM_003737.4(DCHS1):c.9333G>T (p.Gly3111=)

Gene: DCHS1 (dachsous cadherin-related 1; minus strand). Cytogenetic location: 11p15.4.
Variant type: single nucleotide variant.
Coding change: c.9333G>T on transcript NM_003737.4 (MANE Select); coding-DNA position 9333, G replaced by T.
Protein change: p.Gly3111=; no amino-acid change (glycine 3111 retained).
Molecular consequence: synonymous variant.
Genome position (GRCh38, 1-based): chr11:6,622,343, C>A on the plus strand (G>T on the coding strand, the complement: DCHS1 is on the minus strand). VCF-style: chr11-6622343-C-A. GRCh37 (hg19) VCF-style: chr11-6643574-C-A.
Identifiers: ClinVar variation 738579 (VCV000738579.14), dbSNP rs576965402, ClinGen allele CA5859282.